The following is an entry in ClinVar:

NM_001283009.2(RTEL1):c.3214G>A (p.Gly1072Arg)

Genes: RTEL1 (regulator of telomere elongation helicase 1; plus strand), RTEL1-TNFRSF6B (RTEL1-TNFRSF6B readthrough (NMD candidate); plus strand). Cytogenetic location: 20q13.33.
Variant type: single nucleotide variant.
Coding change: c.3214G>A on transcript NM_001283009.2 (MANE Select); coding-DNA position 3214, G replaced by A.
Protein change: p.Gly1072Arg; replaces glycine 1072 with arginine.
Molecular consequence: missense variant. On other transcripts: non-coding transcript variant (1).
Genome position (GRCh38, 1-based): chr20:63,694,845, G>A. VCF-style: chr20-63694845-G-A. GRCh37 (hg19) VCF-style: chr20-62326198-G-A.
Other names: c.2545G>A, p.Gly849Arg (NM_001283010.1); c.3214G>A, p.Gly1072Arg (NM_016434.4); c.3286G>A, p.Gly1096Arg (NM_032957.5); short protein forms G1072R, G1096R, G849R.
Identifiers: ClinVar variation 2633608 (VCV002633608.2), dbSNP rs752615042, ClinGen allele CA9965909.
Genomic context (GRCh38, chr20:63,694,845, plus strand): 5'-GCAGGGAAGCAGGGCCAGCACGCCGTGAGCGCCTACCTGGCTGATGCCCGCAGGGCCCTG[G>A]GGTCCGCGGGCTGTAGCCAACTCTTGGCAGCGCTGACAGCCTATAAGCAAGACGACGACC-3'
Protein context (NP_001269938.1, residues 1062-1082): AYLADARRAL[Gly1072Arg]SAGCSQLLAA

ClinVar aggregate classification (germline): Uncertain significance. Review status: criteria provided, multiple submitters, no conflicts (2 of 4 stars). 2 submissions from 2 submitters: Uncertain significance (2). Last evaluated 2023-04-06.

Conditions:
RTEL1-related disorder. Also called: RTEL1-related condition; RTEL1-related disorders.

gnomAD v4.1: 2 of 1,612,624 alleles (0.00012%); highest among the groups gnomAD compares: Non-Finnish European, 0.00017%; no homozygotes.

Submissions (2):

PreventionGenetics, part of Exact Sciences
Classification: Uncertain significance for RTEL1-related condition. Last evaluated: 2023-04-06. Review status: criteria provided, single submitter. Criteria: ACMG Guidelines, 2015. Collection method: clinical testing. Allele origin: germline.
Comment: The RTEL1 c.3286G>A variant is predicted to result in the amino acid substitution p.Gly1096Arg. To our knowledge, this variant has not been reported in the literature. This variant is reported in 0.00090% of alleles in individuals of European (Non-Finnish) descent in gnomAD. An alternative substitution at the same amino acid (p.Gly1096Trp) has been reported in an individual with telomere biology disorder (Supplementary table 1, Norris. 2021. PubMed ID: 33709208). At this time, the clinical significance of this variant is uncertain due to the absence of conclusive functional and genetic evidence.

Blueprint Genetics
Classification: Uncertain significance. Last evaluated: 2022-06-08. Review status: criteria provided, single submitter. Criteria: ACMG Guidelines, 2015. Collection method: clinical testing. Allele origin: germline.